The following is an entry in ClinVar:

ClinVar aggregate classification (germline): Uncertain significance (1 of 4 stars; one submission).

Conditions:
Hereditary cancer-predisposing syndrome. Also called: Neoplastic Syndromes, Hereditary; Tumor predisposition; Hereditary Cancer Syndrome; Hereditary neoplastic syndrome. Identifiers: Orphanet 140162, MedGen C0027672, MeSH D009386, MONDO:0015356.

Submission:

Ambry Genetics
Classification: Uncertain significance for Hereditary cancer-predisposing syndrome. Last evaluated: 2021-09-07. Review status: criteria provided, single submitter. Criteria: Ambry Variant Classification Scheme 2023. Collection method: clinical testing. Allele origin: germline.
Comment: The p.Q215P variant (also known as c.644A>C), located in coding exon 5 of the APC gene, results from an A to C substitution at nucleotide position 644. The glutamine at codon 215 is replaced by proline, an amino acid with similar properties. This amino acid position is highly conserved in available vertebrate species. In addition, in silico predictors for this gene do not accurately predict pathogenicity. Since supporting evidence is limited at this time, the clinical significance of this alteration remains unclear.

NM_000038.6(APC):c.644A>C (p.Gln215Pro)

Gene: APC (APC regulator of Wnt signaling pathway; plus strand). Cytogenetic location: 5q22.2.
Variant type: single nucleotide variant.
Coding change: c.644A>C on transcript NM_000038.6 (MANE Select); coding-DNA position 644, A replaced by C.
Protein change: p.Gln215Pro; replaces glutamine 215 with proline.
Molecular consequence: missense variant. On other transcripts: 5 prime UTR variant (1).
Genome position (GRCh38, 1-based): chr5:112,780,902, A>C. VCF-style: chr5-112780902-A-C. GRCh37 (hg19) VCF-style: chr5-112116599-A-C.
Other names: c.644A>C, p.Gln215Pro (NM_001127510.3, NM_001354895.2, NM_001354896.2 and 16 more transcripts); c.674A>C, p.Gln225Pro (NM_001127511.3, NM_001354897.2, NM_001354902.2 and 1 more transcripts); c.569A>C, p.Gln190Pro (NM_001354898.2, NM_001354904.2, NM_001407451.1); c.467A>C, p.Gln156Pro (NM_001354900.2, NM_001354901.2, NM_001354905.2 and 1 more transcripts); c.-392A>C (NM_001354906.2, NM_001407470.1, NM_001407471.1 and 1 more transcripts); short protein forms Q190P, Q215P, Q156P, Q225P.
Identifiers: ClinVar variation 1753583 (VCV001753583.2), dbSNP rs1561486001, ClinGen allele CA16022746.